The following is an entry in ClinVar:

ClinVar aggregate classification (germline): Uncertain significance. Review status: criteria provided, multiple submitters, no conflicts (2 of 4 stars). 2 submissions from 2 submitters: Uncertain significance (2). Last evaluated 2025-12-15.

Allele frequency attached by ClinVar (database versions not stated): TOPMed below 0.00001; gnomAD 0.00001 and 0.00002.
gnomAD v4.1: 2 of 1,209,775 alleles (0.00017%); highest among the groups gnomAD compares: Non-Finnish European, 0.00011%; no homozygotes.

Submissions (2):

Ambry Genetics
Classification: Uncertain significance. Last evaluated: 2025-12-15. Review status: criteria provided, single submitter. Criteria: Ambry Variant Classification Scheme 2023. Collection method: clinical testing. Allele origin: germline.

GeneDx
Classification: Uncertain significance. Last evaluated: 2025-08-28. Review status: criteria provided, single submitter. Criteria: GeneDx Variant Classification Process June 2021. Collection method: clinical testing. Allele origin: germline. Affected: yes.
Comment: Not observed at significant frequency in large population cohorts (gnomAD); In silico analysis supports that this missense variant has a deleterious effect on protein structure/function; Has not been previously published as pathogenic or benign to our knowledge

NM_001008537.3(NEXMIF):c.4054A>C (p.Asn1352His)

Gene: NEXMIF (neurite extension and migration factor; minus strand). Cytogenetic location: Xq13.3.
Variant type: single nucleotide variant.
Coding change: c.4054A>C on transcript NM_001008537.3 (MANE Select); coding-DNA position 4054, A replaced by C.
Protein change: p.Asn1352His; replaces asparagine 1352 with histidine.
Molecular consequence: missense variant.
Genome position (GRCh38, 1-based): chrX:74,740,503, T>G on the plus strand (A>C on the coding strand, the complement: NEXMIF is on the minus strand). VCF-style: chrX-74740503-T-G. GRCh37 (hg19) VCF-style: chrX-73960338-T-G.
Other names: c.4054A>C (NM_001008537.2); short protein forms N1352H.
Identifiers: ClinVar variation 1700315 (VCV001700315.5), dbSNP rs2080098817, ClinGen allele CA413664134.